The following is an entry in ClinVar:

NM_001374736.1(DST):c.13494G>T (p.Gln4498His)

Gene: DST (dystonin; minus strand). Cytogenetic location: 6p12.1.
Variant type: single nucleotide variant.
Coding change: c.13494G>T on transcript NM_001374736.1 (MANE Select); coding-DNA position 13494, G replaced by T.
Protein change: p.Gln4498His; replaces glutamine 4498 with histidine.
Molecular consequence: missense variant.
Genome position (GRCh38, 1-based): chr6:56,572,807, C>A on the plus strand (G>T on the coding strand, the complement: DST is on the minus strand). VCF-style: chr6-56572807-C-A. GRCh37 (hg19) VCF-style: chr6-56437605-C-A.
Other names: c.7137G>T, p.Gln2379His (NM_001144769.5); c.6723G>T, p.Gln2241His (NM_001144770.2); c.13494G>T, p.Gln4498His (NM_001374722.1); c.12861G>T, p.Gln4287His (NM_001374729.1); c.6603G>T, p.Gln2201His (NM_001374730.1, NM_183380.4); c.13521G>T, p.Gln4507His (NM_001374734.1); c.5625G>T, p.Gln1875His (NM_015548.5); short protein forms Q1875H, Q2379H, Q2201H, Q4287H, Q4498H, Q2241H, Q4507H.
Identifiers: ClinVar variation 970071 (VCV000970071.10), dbSNP rs565276328, ClinGen allele CA3868214.

ClinVar aggregate classification (germline): Uncertain significance (1 of 4 stars; one submission).

Conditions:
Epidermolysis bullosa simplex 3, localized or generalized intermediate, with BP230 deficiency (EBS3). Also called: Epidermolysis bullosa simplex, autosomal recessive 2; Epidermolysis bullosa simplex due to BP230 deficiency. Identifiers: Orphanet 412181, MedGen C3809470, MONDO:0014180, OMIM 615425.
Hereditary sensory and autonomic neuropathy type 6. Also called: Neuropathy, hereditary sensory and autonomic, type VI; HSAN VI. Identifiers: Orphanet 314381, MedGen C3539003, MONDO:0013839, OMIM 614653.

Allele frequency attached by ClinVar (database versions not stated): gnomAD exomes below 0.00001 and 0.00001; ExAC 0.00001; gnomAD 0.00001; TOPMed 0.00001; 1000 Genomes Project 0.00020; 1000 Genomes Project 30x 0.00031.
gnomAD v4.1: 3 of 1,610,654 alleles (0.00019%); highest among the groups gnomAD compares: East Asian, 0.0045%; no homozygotes.

Submission:

Labcorp Genetics (formerly Invitae), Labcorp
Classification: Uncertain significance for Epidermolysis bullosa simplex 3, localized or generalized intermediate, with BP230 deficiency; Hereditary sensory and autonomic neuropathy type 6. Last evaluated: 2025-04-07. Review status: criteria provided, single submitter. Criteria: Invitae Variant Classification Sherloc (09022015). Collection method: clinical testing. Allele origin: germline.
Comment: The DST gene has multiple clinically relevant transcripts. This variant occurs in alternate transcript NM_015548.4, and corresponds to NM_001723.5:c.*42710G>T in the primary transcript. This sequence change replaces glutamine, which is neutral and polar, with histidine, which is basic and polar, at codon 1875 of the DST protein (p.Gln1875His). This variant is present in population databases (rs565276328, gnomAD 0.01%). This variant has not been reported in the literature in individuals affected with DST-related conditions. Experimental studies and prediction algorithms are not available or were not evaluated, and the functional significance of this variant is currently unknown. In summary, the available evidence is currently insufficient to determine the role of this variant in disease. Therefore, it has been classified as a Variant of Uncertain Significance.